The following is an entry in ClinVar:

NM_001164665.2(KIAA1549):c.346A>G (p.Thr116Ala)

Gene: KIAA1549 (KIAA1549; minus strand). Cytogenetic location: 7q34.
Variant type: single nucleotide variant.
Coding change: c.346A>G on transcript NM_001164665.2 (MANE Select); coding-DNA position 346, A replaced by G.
Protein change: p.Thr116Ala; replaces threonine 116 with alanine.
Molecular consequence: missense variant.
Genome position (GRCh38, 1-based): chr7:138,919,280, T>C on the plus strand (A>G on the coding strand, the complement: KIAA1549 is on the minus strand). VCF-style: chr7-138919280-T-C. GRCh37 (hg19) VCF-style: chr7-138604026-T-C.
Other names: c.346A>G, p.Thr116Ala (NM_020910.3); short protein forms T116A.
Identifiers: ClinVar variation 1372185 (VCV001372185.6), dbSNP rs2130484085, ClinGen allele CA369403266.

ClinVar aggregate classification (germline): Uncertain significance (1 of 4 stars; one submission).

Submission:

Labcorp Genetics (formerly Invitae), Labcorp
Classification: Uncertain significance. Last evaluated: 2021-08-03. Review status: criteria provided, single submitter. Criteria: Invitae Variant Classification Sherloc (09022015). Collection method: clinical testing. Allele origin: germline.
Comment: In summary, the available evidence is currently insufficient to determine the role of this variant in disease. Therefore, it has been classified as a Variant of Uncertain Significance. Algorithms developed to predict the effect of missense changes on protein structure and function output the following: SIFT: "Tolerated"; PolyPhen-2: "Benign"; Align-GVGD: "Class C0". The alanine amino acid residue is found in multiple mammalian species, which suggests that this missense change does not adversely affect protein function. This variant has not been reported in the literature in individuals affected with KIAA1549-related conditions. This variant is not present in population databases (ExAC no frequency). This sequence change replaces threonine with alanine at codon 116 of the KIAA1549 protein (p.Thr116Ala). The threonine residue is moderately conserved and there is a small physicochemical difference between threonine and alanine.